The following is an entry in ClinVar:

NM_001029883.3(PCARE):c.1837C>T (p.Arg613Ter)

Gene: PCARE (photoreceptor cilium actin regulator; minus strand). Cytogenetic location: 2p23.2.
Variant type: single nucleotide variant.
Coding change: c.1837C>T on transcript NM_001029883.3 (MANE Select); coding-DNA position 1837, C replaced by T.
Protein change: p.Arg613Ter; replaces arginine 613 with a stop codon.
Molecular consequence: nonsense.
Genome position (GRCh38, 1-based): chr2:29,072,425, G>A on the plus strand (C>T on the coding strand, the complement: PCARE is on the minus strand). VCF-style: chr2-29072425-G-A. GRCh37 (hg19) VCF-style: chr2-29295291-G-A.
Other names: short protein forms R613*.
Identifiers: ClinVar variation 841159 (VCV000841159.14), dbSNP rs772325487, ClinGen allele CA1592345.
Genomic context (GRCh38, chr2:29,072,425, plus strand): 5'-CTTTGGCACCCAGGGCATAAAATGCCTCCAGCTTCTGACTGAGGTCCCTCTGGACCCTTC[G>A]CAGCTCCTGAAAGGTGGGGTCCTCCACGTGACTCTGGAGACACGACTCTGACTGGGACCT-3'

ClinVar aggregate classification (germline): Pathogenic. Review status: criteria provided, multiple submitters, no conflicts (2 of 4 stars). 4 submissions from 4 submitters: Pathogenic (4). Last evaluated 2025-01-20.

Conditions:
PCARE-related disorder. Also called: PCARE-related condition.
Retinitis pigmentosa 54 (RP54). Identifiers: Orphanet 791, MedGen C3150691, MONDO:0013263, OMIM 613428.

Allele frequency attached by ClinVar (database versions not stated): gnomAD 0.00001; ExAC 0.00002; gnomAD exomes 0.00002; TOPMed 0.00003.
gnomAD v4.1: 22 of 1,614,026 alleles (0.0014%); highest among the groups gnomAD compares: Admixed American, 0.01%; no homozygotes.

Submissions (4):

3billion
Classification: Pathogenic for Retinitis pigmentosa 54. Last evaluated: 2025-01-20. Review status: criteria provided, single submitter. Criteria: ACMG Guidelines, 2015. Collection method: clinical testing. Allele origin: germline. Affected: yes.
Comment: The variant is observed at an extremely low frequency in the gnomAD v4.1.0 dataset (total allele frequency: 0.001%). Predicted Consequence/Location: Stop-gained (nonsense): predicted to result in a loss or disruption of normal protein function through nonsense-mediated decay (NMD) or protein truncation. Multiple pathogenic variants are reported downstream of the variant. The variant has been reported at least twice as pathogenic with clinical assertions and evidence for the classification (ClinVar ID: VCV000841159 /PMID: 28763557 /3billion dataset). Therefore, this variant is classified as Pathogenic according to the recommendation of ACMG/AMP guideline.

Labcorp Genetics (formerly Invitae), Labcorp
Classification: Pathogenic. Last evaluated: 2024-08-23. Review status: criteria provided, single submitter. Criteria: Invitae Variant Classification Sherloc (09022015). Collection method: clinical testing. Allele origin: germline.
Comment: This sequence change creates a premature translational stop signal (p.Arg613*) in the PCARE gene. It is expected to result in an absent or disrupted protein product. Loss-of-function variants in PCARE are known to be pathogenic (PMID: 20398886, 24339724, 26496393). This variant is present in population databases (rs772325487, gnomAD 0.007%). This premature translational stop signal has been observed in individual(s) with clinical features of retinitis pigmentosa (PMID: 28763557, 31872526). ClinVar contains an entry for this variant (Variation ID: 841159). For these reasons, this variant has been classified as Pathogenic.

Blueprint Genetics
Classification: Pathogenic for PCARE-related disorders. Last evaluated: 2023-06-20. Review status: criteria provided, single submitter. Criteria: ACMG Guidelines, 2015. Collection method: clinical testing. Allele origin: germline. Affected: yes. Observed: 3 variant alleles.

Molecular Genetics, Royal Melbourne Hospital
Classification: Pathogenic for Retinitis pigmentosa 54. Last evaluated: 2021-03-11. Review status: criteria provided, single submitter. Criteria: ACMG Guidelines, 2015. Collection method: clinical testing. Allele origin: germline. Affected: yes.
Comment: This sequence change creates a premature termination codon at position 613 in exon 1 (of 2) of PCARE (p.Arg613*). It is expected to result in an absent or disrupted protein product. Loss of function of both alleles for this gene is an established mechanism of disease, and pathogenic variants have been reported downstream of this variant (ClinVar - PVS1). The variant is present in a large population cohort at a frequency of 0.002%, which is consistent with recessive disease (rs772325487, 5/249,038 alleles, 0 homozygotes in gnomAD v2.1.1 - PM2). This variant has not been reported previously in relevant medical literature or databases. Based on the classification scheme RMH ACMG Guidelines v1.1.1, this variant is classified as PATHOGENIC. Following criteria are met: PVS1, PM2, PM3_Supporting.

Literature cited by the submitters: PubMed 28763557 (cited by 3billion and Labcorp Genetics (formerly Invitae), Labcorp); PubMed 20398886 (cited by Labcorp Genetics (formerly Invitae), Labcorp); PubMed 24339724 (cited by Labcorp Genetics (formerly Invitae), Labcorp); PubMed 26496393 (cited by Labcorp Genetics (formerly Invitae), Labcorp); PubMed 31872526 (cited by Labcorp Genetics (formerly Invitae), Labcorp).